The following is an entry in ClinVar:

NM_006265.3(RAD21):c.1756C>G (p.Arg586Gly)

Gene: RAD21 (RAD21 cohesin complex component; minus strand). Cytogenetic location: 8q24.11.
Variant type: single nucleotide variant.
Coding change: c.1756C>G on transcript NM_006265.3 (MANE Select); coding-DNA position 1756, C replaced by G.
Protein change: p.Arg586Gly; replaces arginine 586 with glycine.
Molecular consequence: missense variant.
Genome position (GRCh38, 1-based): chr8:116,847,640, G>C on the plus strand (C>G on the coding strand, the complement: RAD21 is on the minus strand). VCF-style: chr8-116847640-G-C. GRCh37 (hg19) VCF-style: chr8-117859879-G-C.
Other names: short protein forms R586G.
Identifiers: ClinVar variation 4998804 (VCV004998804.1).

ClinVar aggregate classification (germline): Uncertain significance (1 of 4 stars; one submission).

Conditions:
RAD21-related disorder. Also called: RAD21-related condition; RAD21- Related disorders.

gnomAD v4.1: 3 of 1,613,762 alleles (0.00019%); highest among the groups gnomAD compares: East Asian, 0.0022%; no homozygotes.

Submission:

PreventionGenetics, part of Exact Sciences
Classification: Uncertain significance for RAD21-related condition. Last evaluated: 2025-07-14. Review status: criteria provided, single submitter. Criteria: ACMG Guidelines, 2015. Collection method: clinical testing. Allele origin: germline.
Comment: The RAD21 c.1756C>G variant is predicted to result in the amino acid substitution p.Arg586Gly. To our knowledge, this variant has not been reported in the literature or in a large population database (gnomAD), indicating this variant is rare. At this time, the clinical significance of this variant is uncertain due to the absence of conclusive functional and genetic evidence.